The following is an entry in ClinVar:

NM_000271.5(NPC1):c.2384T>C (p.Leu795Pro)

Gene: NPC1 (NPC intracellular cholesterol transporter 1; minus strand). Cytogenetic location: 18q11.2.
Variant type: single nucleotide variant.
Coding change: c.2384T>C on transcript NM_000271.5 (MANE Select); coding-DNA position 2384, T replaced by C.
Protein change: p.Leu795Pro; replaces leucine 795 with proline.
Molecular consequence: missense variant.
Genome position (GRCh38, 1-based): chr18:23,541,198, A>G on the plus strand (T>C on the coding strand, the complement: NPC1 is on the minus strand). VCF-style: chr18-23541198-A-G. GRCh37 (hg19) VCF-style: chr18-21121162-A-G.
Other names: short protein forms L795P.
Identifiers: ClinVar variation 1521820 (VCV001521820.6), dbSNP rs1414231528, ClinGen allele CA401793545.

ClinVar aggregate classification (germline): Uncertain significance (1 of 4 stars; one submission).

Conditions:
Niemann-Pick disease, type C1. Also called: NEUROVISCERAL STORAGE DISEASE WITH VERTICAL SUPRANUCLEAR OPHTHALMOPLEGIA; NIEMANN-PICK DISEASE WITH CHOLESTEROL ESTERIFICATION BLOCK; NIEMANN-PICK DISEASE WITHOUT SPHINGOMYELINASE DEFICIENCY; NIEMANN-PICK DISEASE, CHRONIC NEURONOPATHIC FORM; NIEMANN-PICK DISEASE, VARIANT TYPE C1. Identifiers: Orphanet 646, MedGen C3179455, MONDO:0009757, OMIM 257220.

Submission:

Labcorp Genetics (formerly Invitae), Labcorp
Classification: Uncertain significance for Niemann-Pick disease, type C1. Last evaluated: 2022-10-28. Review status: criteria provided, single submitter. Criteria: Invitae Variant Classification Sherloc (09022015). Collection method: clinical testing. Allele origin: germline.
Comment: In summary, the available evidence is currently insufficient to determine the role of this variant in disease. Therefore, it has been classified as a Variant of Uncertain Significance. Advanced modeling of protein sequence and biophysical properties (such as structural, functional, and spatial information, amino acid conservation, physicochemical variation, residue mobility, and thermodynamic stability) performed at Invitae indicates that this missense variant is expected to disrupt NPC1 protein function. ClinVar contains an entry for this variant (Variation ID: 1521820). This variant has not been reported in the literature in individuals affected with NPC1-related conditions. This variant is not present in population databases (gnomAD no frequency). This sequence change replaces leucine, which is neutral and non-polar, with proline, which is neutral and non-polar, at codon 795 of the NPC1 protein (p.Leu795Pro).